The following is an entry in ClinVar:

NM_001145252.3(CFP):c.196A>C (p.Lys66Gln)

Gene: CFP (complement factor properdin; minus strand). Cytogenetic location: Xp11.23.
Variant type: single nucleotide variant.
Coding change: c.196A>C on transcript NM_001145252.3 (MANE Select); coding-DNA position 196, A replaced by C.
Protein change: p.Lys66Gln; replaces lysine 66 with glutamine.
Molecular consequence: missense variant.
Genome position (GRCh38, 1-based): chrX:47,629,555, T>G on the plus strand (A>C on the coding strand, the complement: CFP is on the minus strand). VCF-style: chrX-47629555-T-G. GRCh37 (hg19) VCF-style: chrX-47488954-T-G.
Other names: c.196A>C, p.Lys66Gln (NM_002621.2); short protein forms K66Q.
Identifiers: ClinVar variation 3665477 (VCV003665477.2).

ClinVar aggregate classification (germline): Uncertain significance (1 of 4 stars; one submission).

Submission:

Labcorp Genetics (formerly Invitae), Labcorp
Classification: Uncertain significance. Last evaluated: 2024-10-30. Review status: criteria provided, single submitter. Criteria: Invitae Variant Classification Sherloc (09022015). Collection method: clinical testing. Allele origin: germline.
Comment: This sequence change replaces lysine, which is basic and polar, with glutamine, which is neutral and polar, at codon 66 of the CFP protein (p.Lys66Gln). This variant is not present in population databases (gnomAD no frequency). This variant has not been reported in the literature in individuals affected with CFP-related conditions. Invitae Evidence Modeling of protein sequence and biophysical properties (such as structural, functional, and spatial information, amino acid conservation, physicochemical variation, residue mobility, and thermodynamic stability) indicates that this missense variant is not expected to disrupt CFP protein function with a negative predictive value of 80%. In summary, the available evidence is currently insufficient to determine the role of this variant in disease. Therefore, it has been classified as a Variant of Uncertain Significance.